The following is an entry in ClinVar:

ClinVar aggregate classification (germline): Uncertain significance. Review status: criteria provided, multiple submitters, no conflicts (2 of 4 stars). 2 submissions from 2 submitters: Uncertain significance (2). Last evaluated 2024-04-05.

Conditions:
Landau-Kleffner syndrome (FESD). Also called: EPILEPSY, FOCAL, WITH SPEECH DISORDER AND WITH OR WITHOUT MENTAL RETARDATION; APHASIA, ACQUIRED, WITH EPILEPSY. Identifiers: Orphanet 1945, Orphanet 725, Orphanet 98818, MedGen C0282512, MONDO:0009509, OMIM 245570.

Allele frequency attached by ClinVar (database versions not stated): TOPMed 0.00001.
gnomAD v4.1: 2 of 1,613,390 alleles (0.00012%); highest among the groups gnomAD compares: Admixed American, 0.0017%; no homozygotes.

Submissions (2):

Labcorp Genetics (formerly Invitae), Labcorp
Classification: Uncertain significance for Landau-Kleffner syndrome. Last evaluated: 2024-04-05. Review status: criteria provided, single submitter. Criteria: Invitae Variant Classification Sherloc (09022015). Collection method: clinical testing. Allele origin: germline.
Comment: This sequence change replaces glutamic acid, which is acidic and polar, with aspartic acid, which is acidic and polar, at codon 1125 of the GRIN2A protein (p.Glu1125Asp). This variant is not present in population databases (gnomAD no frequency). This variant has not been reported in the literature in individuals affected with GRIN2A-related conditions. ClinVar contains an entry for this variant (Variation ID: 450598). Advanced modeling of protein sequence and biophysical properties (such as structural, functional, and spatial information, amino acid conservation, physicochemical variation, residue mobility, and thermodynamic stability) performed at Invitae indicates that this missense variant is not expected to disrupt GRIN2A protein function with a negative predictive value of 95%. In summary, the available evidence is currently insufficient to determine the role of this variant in disease. Therefore, it has been classified as a Variant of Uncertain Significance.

GeneDx
Classification: Uncertain significance. Last evaluated: 2017-07-19. Review status: criteria provided, single submitter. Criteria: GeneDx Variant Classification (06012015). Collection method: clinical testing. Allele origin: germline. Affected: yes.
Comment: A variant of uncertain significance has been identified in the GRIN2A gene. The E1125D variant has not been published as a pathogenic variant, nor has it been reported as a benign variant to our knowledge. The E1125D variant is not observed in large population cohorts (Lek et al., 2016; 1000 Genomes Consortium et al., 2015; Exome Variant Server). The E1125D variant is a conservative amino acid substitution, which is not likely to impact secondary protein structure as these residues share similar properties. However, this substitution occurs at a position that is conserved across species. In silico analysis is inconsistent in its predictions as to whether or not the variant is damaging to the protein structure/function. Therefore, based on the currently available information, it is unclear whether this variant is a pathogenic variant or a rare benign variant.

NM_001134407.3(GRIN2A):c.3375G>C (p.Glu1125Asp)

Gene: GRIN2A (glutamate ionotropic receptor NMDA type subunit 2A; minus strand). Cytogenetic location: 16p13.2.
Variant type: single nucleotide variant.
Coding change: c.3375G>C on transcript NM_001134407.3 (MANE Select); coding-DNA position 3375, G replaced by C.
Protein change: p.Glu1125Asp; replaces glutamic acid 1125 with aspartic acid.
Molecular consequence: missense variant.
Genome position (GRCh38, 1-based): chr16:9,764,169, C>G on the plus strand (G>C on the coding strand, the complement: GRIN2A is on the minus strand). VCF-style: chr16-9764169-C-G. GRCh37 (hg19) VCF-style: chr16-9858026-C-G.
Other names: c.3375G>C, p.Glu1125Asp (NM_000833.5, NM_001134408.2); short protein forms E1125D.
Identifiers: ClinVar variation 450598 (VCV000450598.9), dbSNP rs1177482891, ClinGen allele CA394708005.
Genomic context (GRCh38, chr16:9,764,169, plus strand): 5'-CACGTTCTCGGGCAGGGTCACATTTTCAACAAACTGGGGTGGATCTAAGTGGAAACCAGG[C>G]TCCTTCTCACCATCTATAGTGTAGATCTTGTCTCTAGGGGAGCTTGATTTGGTTTTCAGG-3'
Protein context (NP_001127879.1, residues 1115-1135): DKIYTIDGEK[Glu1125Asp]PGFHLDPPQF